The following is an entry in ClinVar:

ClinVar aggregate classification (germline): Uncertain significance (1 of 4 stars; one submission).

Conditions:
Charcot-Marie-Tooth disease type 2. Also called: Charcot-Marie-Tooth type 2. Identifiers: Orphanet 64746, MedGen C0270914, MONDO:0018993.

Submission:

Labcorp Genetics (formerly Invitae), Labcorp
Classification: Uncertain significance for Charcot-Marie-Tooth disease type 2. Last evaluated: 2023-05-15. Review status: criteria provided, single submitter. Criteria: Invitae Variant Classification Sherloc (09022015). Collection method: clinical testing. Allele origin: germline.
Comment: In summary, the available evidence is currently insufficient to determine the role of this variant in disease. Therefore, it has been classified as a Variant of Uncertain Significance. Advanced modeling of protein sequence and biophysical properties (such as structural, functional, and spatial information, amino acid conservation, physicochemical variation, residue mobility, and thermodynamic stability) has been performed at Invitae for this missense variant, however the output from this modeling did not meet the statistical confidence thresholds required to predict the impact of this variant on LMNA protein function. ClinVar contains an entry for this variant (Variation ID: 1025224). This variant has not been reported in the literature in individuals affected with LMNA-related conditions. This variant is not present in population databases (gnomAD no frequency). This sequence change replaces serine, which is neutral and polar, with arginine, which is basic and polar, at codon 619 of the LMNA protein (p.Ser619Arg).

NM_170707.4(LMNA):c.1855A>C (p.Ser619Arg)

Gene: LMNA (lamin A/C; plus strand). Cytogenetic location: 1q22.
Variant type: single nucleotide variant.
Coding change: c.1855A>C on transcript NM_170707.4 (MANE Select); coding-DNA position 1855, A replaced by C.
Protein change: p.Ser619Arg; replaces serine 619 with arginine.
Molecular consequence: missense variant. On other transcripts: intron variant (1).
Genome position (GRCh38, 1-based): chr1:156,138,644, A>C. VCF-style: chr1-156138644-A-C. GRCh37 (hg19) VCF-style: chr1-156108435-A-C.
Other names: c.1519A>C, p.Ser507Arg (NM_001257374.3); c.1765A>C, p.Ser589Arg (NM_170708.4); c.1818+37A>C (NM_001282626.2); short protein forms S507R, S589R, S619R.
Identifiers: ClinVar variation 1025224 (VCV001025224.8), dbSNP rs1651869846, ClinGen allele CA342827368.